The following is an entry in ClinVar:

ClinVar aggregate classification (germline): Likely benign (1 of 4 stars; one submission).

Conditions:
Loeys-Dietz syndrome 2 (LDS2). Also called: TGFBR2-Related Loeys-Dietz Syndrome; AORTIC ANEURYSM, FAMILIAL THORACIC 3; MARFAN SYNDROME, TYPE II; Marfan syndrome, type 2 (formerly); Marfan Syndrome type 2; Marfan like connective tissue disorder. Identifiers: Orphanet 284973, Orphanet 558, MedGen C2674574, MONDO:0012427, OMIM 610168.

gnomAD v4.1: 1 of 1,613,988 alleles (0.000062%); highest among the groups gnomAD compares: Non-Finnish European, 0.000085%; no homozygotes.

Submission:

All of Us Research Program, National Institutes of Health
Classification: Likely benign for Loeys-Dietz syndrome 2. Last evaluated: 2024-08-13. Review status: criteria provided, single submitter. Criteria: ACMG Guidelines, 2015. Collection method: clinical testing. Allele origin: germline. Inheritance: Autosomal dominant inheritance. Observed: 1 variant allele, 1 heterozygote.
Comment: This study involves interpretation of variants in research participants for the purpose of population health screening. Participant phenotype was not available at the time of variant classification. Additional details can be found in publication PMID: 35346344, PMCID: PMC8962531

NM_003242.6(TGFBR2):c.171A>G (p.Arg57=)

Gene: TGFBR2 (transforming growth factor beta receptor 2; plus strand). Cytogenetic location: 3p24.1.
Variant type: single nucleotide variant.
Coding change: c.171A>G on transcript NM_003242.6 (MANE Select); coding-DNA position 171, A replaced by G.
Protein change: p.Arg57=; no amino-acid change (arginine 57 retained).
Molecular consequence: synonymous variant. On other transcripts: intron variant (2).
Genome position (GRCh38, 1-based): chr3:30,644,823, A>G. VCF-style: chr3-30644823-A-G. GRCh37 (hg19) VCF-style: chr3-30686315-A-G.
Other names: c.246A>G, p.Arg82= (NM_001024847.3, NM_001407126.1, NM_001407139.1); c.171A>G, p.Arg57= (NM_001407127.1, NM_001407130.1); c.198A>G, p.Arg66= (NM_001407128.1); c.66A>G, p.Arg22= (NM_001407129.1, NM_001407132.1, NM_001407133.1 and 3 more transcripts); c.169+21550A>G (NM_001407137.1); c.95-26815A>G (NM_001407138.1).
Identifiers: ClinVar variation 3386057 (VCV003386057.1).